The following is an entry in ClinVar:

ClinVar aggregate classification (germline): Uncertain significance (1 of 4 stars; one submission).

Conditions:
Dilated cardiomyopathy 1JJ (CMD1JJ). Identifiers: Orphanet 154, MedGen C3808935, MONDO:0014095, OMIM 615235.

Allele frequency attached by ClinVar (database versions not stated): gnomAD exomes below 0.00001.
gnomAD v4.1: 1 of 1,613,760 alleles (0.000062%); highest among the groups gnomAD compares: Non-Finnish European, 0.000085%; no homozygotes.

Submission:

Labcorp Genetics (formerly Invitae), Labcorp
Classification: Uncertain significance for Dilated cardiomyopathy 1JJ. Last evaluated: 2022-02-18. Review status: criteria provided, single submitter. Criteria: Invitae Variant Classification Sherloc (09022015). Collection method: clinical testing. Allele origin: germline.
Comment: This sequence change replaces glutamic acid, which is acidic and polar, with alanine, which is neutral and non-polar, at codon 1222 of the LAMA4 protein (p.Glu1222Ala). This variant is not present in population databases (gnomAD no frequency). This variant has not been reported in the literature in individuals affected with LAMA4-related conditions. Algorithms developed to predict the effect of missense changes on protein structure and function (SIFT, PolyPhen-2, Align-GVGD) all suggest that this variant is likely to be disruptive. In summary, the available evidence is currently insufficient to determine the role of this variant in disease. Therefore, it has been classified as a Variant of Uncertain Significance.

NM_001105206.3(LAMA4):c.3686A>C (p.Glu1229Ala)

Gene: LAMA4 (laminin subunit alpha 4; minus strand). Cytogenetic location: 6q21.
Variant type: single nucleotide variant.
Coding change: c.3686A>C on transcript NM_001105206.3 (MANE Select); coding-DNA position 3686, A replaced by C.
Protein change: p.Glu1229Ala; replaces glutamic acid 1229 with alanine.
Molecular consequence: missense variant.
Genome position (GRCh38, 1-based): chr6:112,133,359, T>G on the plus strand (A>C on the coding strand, the complement: LAMA4 is on the minus strand). VCF-style: chr6-112133359-T-G. GRCh37 (hg19) VCF-style: chr6-112454561-T-G.
Other names: c.3665A>C, p.Glu1222Ala (NM_001105207.3, NM_002290.5); short protein forms E1229A, E1222A.
Identifiers: ClinVar variation 1930230 (VCV001930230.5), dbSNP rs2547005063, ClinGen allele CA365375371.
Genomic context (GRCh38, chr6:112,133,359, plus strand): 5'-AGTGATAAGTATTGTGTCTATTAAAAAGCTTTTGACTGAGTGGTTCTTACAAGTGAGTCT[T>G]CTGGGCATCCATAACCAACTCCCAGGGTTTCTGTCTGCTCCAGTAAATTGAAGTCCTTCT-3'
Protein context (NP_001098676.2, residues 1219-1239): ETLGVGYGCP[Glu1229Ala]DSLISRRAYF